The following is an entry in ClinVar:

ClinVar aggregate classification (germline): Uncertain significance (1 of 4 stars; one submission).

Conditions:
Megalencephaly-polymicrogyria-postaxial polydactyly-hydrocephalus syndrome. Also called: MPPH Syndrome; MEG-PMG-MEGACC SYNDROME. Identifiers: Orphanet 83473, MedGen C1863924, MONDO:0019375.

Allele frequency attached by ClinVar (database versions not stated): ExAC 0.00006.
gnomAD v4.1: 16 of 1,563,414 alleles (0.001%); highest among the groups gnomAD compares: South Asian, 0.018%; no homozygotes.

Submission:

Labcorp Genetics (formerly Invitae), Labcorp
Classification: Uncertain significance for Megalencephaly-polymicrogyria-postaxial polydactyly-hydrocephalus syndrome. Last evaluated: 2023-06-14. Review status: criteria provided, single submitter. Criteria: Invitae Variant Classification Sherloc (09022015). Collection method: clinical testing. Allele origin: germline.
Comment: This sequence change replaces alanine, which is neutral and non-polar, with serine, which is neutral and polar, at codon 11 of the PIK3R2 protein (p.Ala11Ser). In summary, the available evidence is currently insufficient to determine the role of this variant in disease. Therefore, it has been classified as a Variant of Uncertain Significance. Advanced modeling of protein sequence and biophysical properties (such as structural, functional, and spatial information, amino acid conservation, physicochemical variation, residue mobility, and thermodynamic stability) performed at Invitae indicates that this missense variant is expected to disrupt PIK3R2 protein function. This variant has not been reported in the literature in individuals affected with PIK3R2-related conditions. The frequency data for this variant in the population databases is considered unreliable, as metrics indicate poor data quality at this position in the gnomAD database.

NM_005027.4(PIK3R2):c.31G>T (p.Ala11Ser)

Gene: PIK3R2 (phosphoinositide-3-kinase regulatory subunit 2; plus strand). Cytogenetic location: 19p13.11.
Variant type: single nucleotide variant.
Coding change: c.31G>T on transcript NM_005027.4 (MANE Select); coding-DNA position 31, G replaced by T.
Protein change: p.Ala11Ser; replaces alanine 11 with serine.
Molecular consequence: missense variant. On other transcripts: non-coding transcript variant (2).
Genome position (GRCh38, 1-based): chr19:18,155,910, G>T. VCF-style: chr19-18155910-G-T. GRCh37 (hg19) VCF-style: chr19-18266720-G-T.
Other names: short protein forms A11S.
Identifiers: ClinVar variation 2799840 (VCV002799840.3), dbSNP rs751392338, ClinGen allele CA9306631.
Genomic context (GRCh38, chr19:18,155,910, plus strand): 5'-CCATCCAGACCCCACCCCACTCACGCGGCCATGGCGGGCCCTGAGGGCTTCCAGTACCGC[G>T]CTCTGTACCCGTTCCGCCGGGAGCGGCCGGAGGACCTGGAGCTGCTGCCCGGCGACGTGC-3'
Protein context (NP_005018.2, residues 1-21): MAGPEGFQYR[Ala11Ser]LYPFRRERPE